The following is an entry in ClinVar:

NM_004304.5(ALK):c.247G>A (p.Gly83Ser)

Gene: ALK (ALK receptor tyrosine kinase; minus strand). Cytogenetic location: 2p23.1.
Variant type: single nucleotide variant.
Coding change: c.247G>A on transcript NM_004304.5 (MANE Select); coding-DNA position 247, G replaced by A.
Protein change: p.Gly83Ser; replaces glycine 83 with serine.
Molecular consequence: missense variant.
Genome position (GRCh38, 1-based): chr2:29,920,413, C>T on the plus strand (G>A on the coding strand, the complement: ALK is on the minus strand). VCF-style: chr2-29920413-C-T. GRCh37 (hg19) VCF-style: chr2-30143279-C-T.
Other names: c.247G>A (NM_004304.4); short protein forms G83S.
Identifiers: ClinVar variation 1489475 (VCV001489475.9), dbSNP rs2148443637, ClinGen allele CA346590406.

ClinVar aggregate classification (germline): Uncertain significance. Review status: criteria provided, multiple submitters, no conflicts (2 of 4 stars). 2 submissions from 2 submitters: Uncertain significance (2). Last evaluated 2025-06-14.

Conditions:
Neuroblastoma, susceptibility to, 3. Also called: ALK-Related Neuroblastic Tumor Susceptibility. Identifiers: Orphanet 635, MedGen C2751681, MONDO:0013083, OMIM 613014.
Hereditary cancer-predisposing syndrome. Also called: Neoplastic Syndromes, Hereditary; Tumor predisposition; Hereditary neoplastic syndrome; Hereditary Cancer Syndrome. Identifiers: Orphanet 140162, MedGen C0027672, MeSH D009386, MONDO:0015356.

gnomAD v4.1: 1 of 1,592,408 alleles (0.000063%); highest among the groups gnomAD compares: Non-Finnish European, 0.000085%; no homozygotes.

Submissions (2):

Ambry Genetics
Classification: Uncertain significance for Hereditary cancer-predisposing syndrome. Last evaluated: 2025-06-14. Review status: criteria provided, single submitter. Criteria: Ambry Variant Classification Scheme 2023. Collection method: clinical testing. Allele origin: germline.
Comment: The p.G83S variant (also known as c.247G>A), located in coding exon 1 of the ALK gene, results from a G to A substitution at nucleotide position 247. The glycine at codon 83 is replaced by serine, an amino acid with similar properties. This amino acid position is conserved. In addition, this alteration is predicted to be tolerated by in silico analysis. Based on the available evidence, the clinical significance of this variant remains unclear.

Labcorp Genetics (formerly Invitae), Labcorp
Classification: Uncertain significance for Neuroblastoma, susceptibility to, 3. Last evaluated: 2021-05-20. Review status: criteria provided, single submitter. Criteria: Invitae Variant Classification Sherloc (09022015). Collection method: clinical testing. Allele origin: germline.
Comment: This sequence change replaces glycine with serine at codon 83 of the ALK protein (p.Gly83Ser). The glycine residue is weakly conserved and there is a small physicochemical difference between glycine and serine. This variant is not present in population databases (ExAC no frequency). In summary, the available evidence is currently insufficient to determine the role of this variant in disease. Therefore, it has been classified as a Variant of Uncertain Significance. Algorithms developed to predict the effect of missense changes on protein structure and function output the following: SIFT: "Tolerated"; PolyPhen-2: "Benign"; Align-GVGD: "Class C0". The serine amino acid residue is found in multiple mammalian species, suggesting that this missense change does not adversely affect protein function. These predictions have not been confirmed by published functional studies and their clinical significance is uncertain. This variant has not been reported in the literature in individuals with ALK-related conditions.